The following is an entry in ClinVar:

ClinVar aggregate classification (germline): Pathogenic/Likely pathogenic. Review status: criteria provided, multiple submitters, no conflicts (2 of 4 stars). 2 submissions from 2 submitters: Pathogenic (1); Likely pathogenic (1). Last evaluated 2022-03-26.

Conditions:
Myoclonic dystonia 11 (DYT11). Also called: Myoclonic dystonia; Dystonia 11; Dystonia, alcohol responsive; Hereditary essential myoclonus; DYT-SGCE; SGCE Myoclonus-Dystonia. Identifiers: Orphanet 36899, MedGen C1834570, MONDO:0008044, OMIM 159900.

Submissions (2):

Labcorp Genetics (formerly Invitae), Labcorp
Classification: Pathogenic for Myoclonic dystonia 11. Last evaluated: 2022-03-26. Review status: criteria provided, single submitter. Criteria: Invitae Variant Classification Sherloc (09022015). Collection method: clinical testing. Allele origin: germline.
Comment: For these reasons, this variant has been classified as Pathogenic. Algorithms developed to predict the effect of sequence changes on RNA splicing suggest that this variant may disrupt the consensus splice site. ClinVar contains an entry for this variant (Variation ID: 372800). Disruption of this splice site has been observed in individuals with clinical features of SGCE-related conditions (PMID: 16227522, 18175340; Invitae). It has also been observed to segregate with disease in related individuals. This variant is not present in population databases (gnomAD no frequency). This sequence change affects a donor splice site in intron 2 of the SGCE gene. It is expected to disrupt RNA splicing. Variants that disrupt the donor or acceptor splice site typically lead to a loss of protein function (PMID: 16199547), and loss-of-function variants in SGCE are known to be pathogenic (PMID: 12821748, 15389977, 17853490, 24297365).

GeneDx
Classification: Likely pathogenic. Last evaluated: 2016-03-16. Review status: criteria provided, single submitter. Criteria: GeneDx Variant Classification (06012015). Collection method: clinical testing. Allele origin: germline. Affected: yes.
Comment: This splice site variant destroys the canonical splice donor site in intron 2. Although this splice site variant is predicted to cause in-frame skipping of exon 2, other variants affecting the canonical splice donor site in intron 2 (c.323+1G>A and c.232+2T>C) have also been reported in the Human Gene Mutation Database in association with myoclonus-dystonia (Stenson et al., 2014), supporting the functional importance of this splice donor site. The c.232+1G>T variant was not observed in approximately 6500 individuals of European and African American ancestry in the NHLBI Exome Sequencing Project, indicating it is not a common benign variant in these populations. The c.232+1G>T variant is a strong candidate for a pathogenic variant, however, the possibility it may be a rare benign variant cannot be excluded.

Literature cited by the submitters: PubMed 16227522 (cited by Labcorp Genetics (formerly Invitae), Labcorp); PubMed 18175340 (cited by Labcorp Genetics (formerly Invitae), Labcorp); PubMed 16199547 (cited by Labcorp Genetics (formerly Invitae), Labcorp); PubMed 12821748 (cited by Labcorp Genetics (formerly Invitae), Labcorp); PubMed 15389977 (cited by Labcorp Genetics (formerly Invitae), Labcorp); PubMed 17853490 (cited by Labcorp Genetics (formerly Invitae), Labcorp); PubMed 24297365 (cited by Labcorp Genetics (formerly Invitae), Labcorp).

NM_003919.3(SGCE):c.232+1G>T

Genes: CASD1 (CAS1 domain sialic acid O acetyltransferase 1; plus strand), SGCE (sarcoglycan epsilon; minus strand). Cytogenetic location: 7q21.3.
Variant type: single nucleotide variant.
Coding change: c.232+1G>T on transcript NM_003919.3 (MANE Select); the canonical splice donor site of the intron after coding-DNA position 232, G replaced by T.
Molecular consequence: splice donor variant. On other transcripts: intron variant (2).
Genome position (GRCh38, 1-based): chr7:94,629,718, C>A on the plus strand (G>T on the coding strand, the complement: SGCE is on the minus strand). VCF-style: chr7-94629718-C-A. GRCh37 (hg19) VCF-style: chr7-94259030-C-A.
Other names: c.110-1359G>T (NM_001362809.2, NM_001301139.2); c.232+1G>T (NM_001346717.2, NM_001099400.2, NM_001099401.2); c.340+1G>T (NM_001346715.2, NM_001346713.2); c.145+1G>T (NM_001362807.2, NM_001346719.2); c.-42+1G>T (NM_001362808.2, NM_001346720.2).
Identifiers: ClinVar variation 372800 (VCV000372800.6), dbSNP rs1057517990, ClinGen allele CA16042613.